The following is an entry in ClinVar:

ClinVar aggregate classification (germline): Likely benign. Review status: criteria provided, multiple submitters, no conflicts (2 of 4 stars). 3 submissions from 3 submitters: Likely benign (3). Last evaluated 2026-05-26.

Conditions:
CLPB-related disorder. Also called: CLPB-related condition.
3-methylglutaconic aciduria, type VIIB (MGCA7B). Also called: 3-methylglutaconic aciduria, type VII, with cataracts, neurologic involvement and neutropenia; CLPB Deficiency; 3-methylglutaconic aciduria with cataracts, neurologic involvement and neutropenia. Identifiers: Orphanet 445038, MedGen C5676893, MONDO:0014561, OMIM 616271.

Allele frequency attached by ClinVar (database versions not stated): gnomAD exomes 0.00007 and 0.00011; ExAC 0.00008; TOPMed 0.00009; gnomAD 0.00011; 1000 Genomes Project 30x 0.00016; 1000 Genomes Project 0.00020; ESP Exome Variant Server 0.00023.
gnomAD v4.1: 116 of 1,613,986 alleles (0.0072%); highest among the groups gnomAD compares: Admixed American, 0.03%; no homozygotes.

Submissions (3):

PreventionGenetics, part of Exact Sciences
Classification: Likely benign for CLPB-related condition. Last evaluated: 2026-05-26. Review status: criteria provided, single submitter. Criteria: ACMG Guidelines, 2015. Collection method: clinical testing. Allele origin: germline.
Comment: This variant is classified as likely benign based on ACMG/AMP sequence variant interpretation guidelines (Richards et al. 2015 PMID: 25741868, with internal and published modifications).

Labcorp Genetics (formerly Invitae), Labcorp
Classification: Likely benign for 3-methylglutaconic aciduria, type VIIB. Last evaluated: 2026-01-05. Review status: criteria provided, single submitter. Criteria: Invitae Variant Classification Sherloc (09022015). Collection method: clinical testing. Allele origin: germline.

Blueprint Genetics
Classification: Likely benign. Last evaluated: 2022-10-18. Review status: criteria provided, single submitter. Criteria: ACMG Guidelines, 2015. Collection method: clinical testing. Allele origin: germline.

NM_001258392.3(CLPB):c.1476C>T (p.Ala492=)

Gene: CLPB (ClpB family mitochondrial disaggregase; minus strand). Cytogenetic location: 11q13.4.
Variant type: single nucleotide variant.
Coding change: c.1476C>T on transcript NM_001258392.3 (MANE Select); coding-DNA position 1476, C replaced by T.
Protein change: p.Ala492=; no amino-acid change (alanine 492 retained).
Molecular consequence: synonymous variant.
Genome position (GRCh38, 1-based): chr11:72,295,502, G>A on the plus strand (C>T on the coding strand, the complement: CLPB is on the minus strand). VCF-style: chr11-72295502-G-A. GRCh37 (hg19) VCF-style: chr11-72006546-G-A.
Other names: c.1389C>T, p.Ala463= (NM_001258393.3); c.1431C>T, p.Ala477= (NM_001258394.3); c.1566C>T, p.Ala522= (NM_030813.6).
Identifiers: ClinVar variation 732142 (VCV000732142.13), dbSNP rs139236388, ClinGen allele CA6171160.